The following is an entry in ClinVar:

ClinVar aggregate classification (germline): Conflicting classifications of pathogenicity. Review status: criteria provided, conflicting classifications (1 of 4 stars). 2 submissions from 2 submitters: Likely pathogenic (1); Uncertain significance (1). Last evaluated 2025-02-05.

Conditions:
Catecholaminergic polymorphic ventricular tachycardia 1. Also called: RYR2-Related Catecholaminergic Polymorphic Ventricular Tachycardia; VENTRICULAR TACHYCARDIA, STRESS-INDUCED POLYMORPHIC 1; VENTRICULAR TACHYCARDIA, CATECHOLAMINERGIC POLYMORPHIC, 1, WITH OR WITHOUT ATRIAL DYSFUNCTION AND/OR DILATED CARDIOMYOPATHY. Identifiers: Orphanet 3286, MedGen C1631597, MONDO:0011484, OMIM 604772.

Submissions (2):

Labcorp Genetics (formerly Invitae), Labcorp
Classification: Uncertain significance for Catecholaminergic polymorphic ventricular tachycardia 1. Last evaluated: 2025-02-05. Review status: criteria provided, single submitter. Criteria: Invitae Variant Classification Sherloc (09022015). Collection method: clinical testing. Allele origin: germline.
Comment: This sequence change replaces glycine, which is neutral and non-polar, with glutamic acid, which is acidic and polar, at codon 220 of the RYR2 protein (p.Gly220Glu). This variant is not present in population databases (gnomAD no frequency). This variant has not been reported in the literature in individuals affected with RYR2-related conditions. ClinVar contains an entry for this variant (Variation ID: 190997). Invitae Evidence Modeling of protein sequence and biophysical properties (such as structural, functional, and spatial information, amino acid conservation, physicochemical variation, residue mobility, and thermodynamic stability) indicates that this missense variant is expected to disrupt RYR2 protein function with a positive predictive value of 95%. In summary, the available evidence is currently insufficient to determine the role of this variant in disease. Therefore, it has been classified as a Variant of Uncertain Significance.

Genomic Medicine Center of Excellence, King Faisal Specialist Hospital and Research Centre
Classification: Likely pathogenic. Review status: criteria provided, single submitter. Criteria: ACMG Guidelines, 2015. Collection method: research. Allele origin: germline. Affected: yes.

NM_001035.3(RYR2):c.659G>A (p.Gly220Glu)

Gene: RYR2 (ryanodine receptor 2; plus strand). Cytogenetic location: 1q43.
Variant type: single nucleotide variant.
Coding change: c.659G>A on transcript NM_001035.3 (MANE Select); coding-DNA position 659, G replaced by A.
Protein change: p.Gly220Glu; replaces glycine 220 with glutamic acid.
Molecular consequence: missense variant.
Genome position (GRCh38, 1-based): chr1:237,387,363, G>A. VCF-style: chr1-237387363-G-A. GRCh37 (hg19) VCF-style: chr1-237550663-G-A.
Other names: c.659G>A, p.Gly220Glu (LRG_402t1); short protein forms G220E.
Identifiers: ClinVar variation 190997 (VCV000190997.8), dbSNP rs786205454, ClinGen allele CA010239.